The following is an entry in ClinVar:

ClinVar aggregate classification (germline): Pathogenic (1 of 4 stars; one submission).

Conditions:
Myoclonic dystonia 11 (DYT11). Also called: Myoclonic dystonia; Dystonia 11; Dystonia, alcohol responsive; Hereditary essential myoclonus; SGCE Myoclonus-Dystonia; Myoclonus-Dystonia. Identifiers: Orphanet 36899, MedGen C1834570, MONDO:0008044, OMIM 159900.

Submission:

Labcorp Genetics (formerly Invitae), Labcorp
Classification: Pathogenic for Myoclonic dystonia 11. Last evaluated: 2024-07-09. Review status: criteria provided, single submitter. Criteria: Invitae Variant Classification Sherloc (09022015). Collection method: clinical testing. Allele origin: germline.
Comment: This sequence change affects an acceptor splice site in intron 3 of the SGCE gene. It is expected to disrupt RNA splicing. Variants that disrupt the donor or acceptor splice site typically lead to a loss of protein function (PMID: 16199547), and loss-of-function variants in SGCE are known to be pathogenic (PMID: 12821748, 15389977, 17853490, 24297365). This variant is not present in population databases (gnomAD no frequency). Disruption of this splice site has been observed in individuals with clinical features of primary dystonia (Invitae). Algorithms developed to predict the effect of sequence changes on RNA splicing suggest that this variant may disrupt the consensus splice site. For these reasons, this variant has been classified as Pathogenic.

Literature cited by the submitters: PubMed 16199547; PubMed 12821748; PubMed 15389977; PubMed 17853490; PubMed 24297365.

NM_003919.3(SGCE):c.391-2A>T

Genes: CASD1 (CAS1 domain sialic acid O acetyltransferase 1; plus strand), SGCE (sarcoglycan epsilon; minus strand). Cytogenetic location: 7q21.3.
Variant type: single nucleotide variant.
Coding change: c.391-2A>T on transcript NM_003919.3 (MANE Select); the canonical splice acceptor site of the intron before coding-DNA position 391, A replaced by T.
Molecular consequence: splice acceptor variant.
Genome position (GRCh38, 1-based): chr7:94,623,399, T>A on the plus strand (A>T on the coding strand, the complement: SGCE is on the minus strand). VCF-style: chr7-94623399-T-A. GRCh37 (hg19) VCF-style: chr7-94252711-T-A.
Other names: c.268-2A>T (NM_001362809.2, NM_001301139.2); c.391-2A>T (NM_001346717.2, NM_001099400.2, NM_001099401.2); c.499-2A>T (NM_001346715.2, NM_001346713.2); c.304-2A>T (NM_001362807.2, NM_001346719.2); c.118-2A>T (NM_001362808.2, NM_001346720.2).
Identifiers: ClinVar variation 3659092 (VCV003659092.2).
Genomic context (GRCh38, chr7:94,623,399, plus strand): 5'-ATATTAATTATCAAATTATGCCTTGCAGTCTCAAAGGTGCGCCTGTTGTAGGCAGTTATC[T>A]ATTATAAAAGGAAAACCATATTAAAGAAGTGAAATGTTCTTTGTAAAATGAAATTCATTA-3'